The following is an entry in ClinVar:

ClinVar aggregate classification (germline): Uncertain significance (1 of 4 stars; one submission).

Conditions:
Familial thoracic aortic aneurysm and aortic dissection (TAAD). Also called: Thoracic aortic aneurysms and dissections. Identifiers: Orphanet 91387, MedGen C4707243, MONDO:0019625.

Submission:

Color Diagnostics, LLC DBA Color Health
Classification: Uncertain significance for Familial thoracic aortic aneurysm and aortic dissection. Last evaluated: 2025-06-17. Review status: criteria provided, single submitter. Criteria: ACMG Guidelines, 2015. Collection method: clinical testing. Allele origin: germline.
Comment: This variant causes a G to A nucleotide substitution at the +3 position of intron 13/50 of the COL3A1 gene. To our knowledge, functional studies have not been reported for this variant. This variant has not been reported in individuals affected with COL3A1-related disorders in the literature. This variant has not been identified in the general population by the Genome Aggregation Database (gnomAD). The available evidence is insufficient to determine the role of this variant in disease conclusively. Therefore, this variant is classified as a Variant of Uncertain Significance.

NM_000090.4(COL3A1):c.951+3G>A

Gene: COL3A1 (collagen type III alpha 1 chain; plus strand). Cytogenetic location: 2q32.2.
Variant type: single nucleotide variant.
Coding change: c.951+3G>A on transcript NM_000090.4 (MANE Select); 3 bases into the intron after coding-DNA position 951, G replaced by A.
Molecular consequence: intron variant.
Genome position (GRCh38, 1-based): chr2:188,991,725, G>A. VCF-style: chr2-188991725-G-A. GRCh37 (hg19) VCF-style: chr2-189856451-G-A.
Identifiers: ClinVar variation 4756940 (VCV004756940.1).